The following is an entry in ClinVar:

ClinVar aggregate classification (germline): Uncertain significance (1 of 4 stars; one submission).

Conditions:
Spermatogenic failure 4. Also called: AZOOSPERMIA WITH MATURATION ARREST; PREGNANCY LOSS 4. Identifiers: MedGen C0232981, MONDO:0010052, OMIM 270960.

Submission:

Juno Genomics, Hangzhou Juno Genomics, Inc
Classification: Uncertain significance for Spermatogenic failure 4. Review status: criteria provided, single submitter. Criteria: ACMG Guidelines, 2015. Collection method: clinical testing. Allele origin: germline.
Comment: Protein length changes due to in-frame deletions/insertions in a non-repeat region or stop-loss variants.;Absent from controls (or at extremely low frequency if recessive) in Genome Aggregation Database.

NM_001177949.2(SYCP3):c.96_98del (p.Lys33del)

Gene: SYCP3 (synaptonemal complex protein 3; minus strand). Cytogenetic location: 12q23.2.
Variant type: Deletion.
Coding change: c.96_98del on transcript NM_001177949.2 (MANE Select); coding-DNA positions 96 to 98, 3 bases deleted (GAA; older notation c.96_98delGAA).
Protein change: p.Lys33del; deletes lysine 33.
Molecular consequence: inframe deletion.
Genome position (GRCh38, 1-based): chr12:101,737,838-101,737,840, TTC deleted on the plus strand (GAA on the coding strand, the reverse complement: SYCP3 is on the minus strand); deleting any 3 consecutive bases within chr12:101,737,838-101,737,842 gives the same sequence; the c. name uses the placement nearest the transcript's 3' end. VCF-style (leftmost placement, unchanged base first): chr12-101737837-TTTC-T. GRCh37 (hg19) VCF-style: chr12-102131615-TTTC-T.
Other names: c.96_98del, p.Lys33del (NM_001177948.2, NM_153694.5); short protein forms K33del.
Identifiers: ClinVar variation 5005016 (VCV005005016.2).